The following is an entry in ClinVar:

ClinVar aggregate classification (germline): Pathogenic (1 of 4 stars; one submission).

Conditions:
Arrhythmogenic cardiomyopathy with wooly hair and keratoderma. Also called: PALMOPLANTAR KERATODERMA WITH LEFT VENTRICULAR CARDIOMYOPATHY AND WOOLLY HAIR; Carvajal syndrome; Dilated cardiomyopathy with woolly hair and keratoderma; Arrhythmogenic cardiomyopathy with woolly hair and keratoderma. Identifiers: Orphanet 65282, MedGen C1854063, MONDO:0011581, OMIM 605676.
Arrhythmogenic right ventricular dysplasia 8 (ARVD8). Also called: ARRHYTHMOGENIC RIGHT VENTRICULAR DYSPLASIA, FAMILIAL, 8; Arrhythmogenic Right Ventricular Dysplasia/Cardiomyopathy 8; ARRHYTHMOGENIC RIGHT VENTRICULAR CARDIOMYOPATHY 8. Identifiers: MedGen C1843896, MONDO:0011831, OMIM 607450.

Submission:

Labcorp Genetics (formerly Invitae), Labcorp
Classification: Pathogenic for Arrhythmogenic cardiomyopathy with wooly hair and keratoderma; Arrhythmogenic right ventricular dysplasia 8. Last evaluated: 2022-09-07. Review status: criteria provided, single submitter. Criteria: Invitae Variant Classification Sherloc (09022015). Collection method: clinical testing. Allele origin: germline.
Comment: For these reasons, this variant has been classified as Pathogenic. ClinVar contains an entry for this variant (Variation ID: 1455949). This variant has not been reported in the literature in individuals affected with DSP-related conditions. This variant is not present in population databases (gnomAD no frequency). This sequence change creates a premature translational stop signal (p.Gln964*) in the DSP gene. It is expected to result in an absent or disrupted protein product. Loss-of-function variants in DSP are known to be pathogenic (PMID: 20716751, 24503780, 25227139).

Literature cited by the submitters: PubMed 20716751; PubMed 24503780; PubMed 25227139.

NM_004415.4(DSP):c.2890C>T (p.Gln964Ter)

Gene: DSP (desmoplakin; plus strand). Cytogenetic location: 6p24.3.
Variant type: single nucleotide variant.
Coding change: c.2890C>T on transcript NM_004415.4 (MANE Select); coding-DNA position 2890, C replaced by T.
Protein change: p.Gln964Ter; replaces glutamine 964 with a stop codon.
Molecular consequence: nonsense.
Genome position (GRCh38, 1-based): chr6:7,577,791, C>T. VCF-style: chr6-7577791-C-T. GRCh37 (hg19) VCF-style: chr6-7578024-C-T.
Other names: c.2890C>T, p.Gln964Ter (NM_001008844.3, NM_001319034.2); short protein forms Q964*.
Identifiers: ClinVar variation 1455949 (VCV001455949.6), dbSNP rs2113688859, ClinGen allele CA362682380.